The following is an entry in ClinVar:

ClinVar aggregate classification (germline): Uncertain significance (1 of 4 stars; one submission).

Submission:

GeneDx
Classification: Uncertain significance. Last evaluated: 2026-03-31. Review status: criteria provided, single submitter. Criteria: GeneDx Variant Classification Process June 2021. Collection method: clinical testing. Allele origin: germline.
Comment: Not observed at significant frequency in large population cohorts (gnomAD); In silico analysis suggests that this missense variant does not alter protein structure/function; Has not been previously published as pathogenic or benign to our knowledge

NM_006035.4(CDC42BPB):c.4746G>T (p.Met1582Ile)

Gene: CDC42BPB (CDC42 binding protein kinase beta; minus strand). Cytogenetic location: 14q32.32.
Variant type: single nucleotide variant.
Coding change: c.4746G>T on transcript NM_006035.4 (MANE Select); coding-DNA position 4746, G replaced by T.
Protein change: p.Met1582Ile; replaces methionine 1582 with isoleucine.
Molecular consequence: missense variant.
Genome position (GRCh38, 1-based): chr14:102,939,691, C>A on the plus strand (G>T on the coding strand, the complement: CDC42BPB is on the minus strand). VCF-style: chr14-102939691-C-A. GRCh37 (hg19) VCF-style: chr14-103406028-C-A.
Other names: c.4668G>T, p.Met1556Ile (NM_001411054.1); short protein forms M1556I, M1582I.
Identifiers: ClinVar variation 5017219 (VCV005017219.1).